The following is an entry in ClinVar:

ClinVar aggregate classification (germline): Likely benign. Review status: criteria provided, multiple submitters, no conflicts (2 of 4 stars). 5 submissions from 5 submitters: Likely benign (5). Last evaluated 2026-03-27.

Conditions:
Autosomal recessive limb-girdle muscular dystrophy type 2J (LGMDR10). Also called: MUSCULAR DYSTROPHY, LIMB-GIRDLE, AUTOSOMAL RECESSIVE 10; Limb-girdle muscular dystrophy, type 2J. Identifiers: Orphanet 140922, MedGen C1837342, MONDO:0012127, OMIM 608807.
Dilated cardiomyopathy 1G (CMD1G). Identifiers: Orphanet 154, MedGen C1858763, MONDO:0011400, OMIM 604145.

Allele frequency attached by ClinVar (database versions not stated): gnomAD 0.00007; TOPMed 0.00011.
gnomAD v4.1: 113 of 1,608,796 alleles (0.007%); highest among the groups gnomAD compares: Middle Eastern, 0.066%; no homozygotes.

Submissions (5):

Molecular Diagnostic Laboratory for Inherited Cardiovascular Disease, Montreal Heart Institute
Classification: Likely benign. Last evaluated: 2026-03-27. Review status: criteria provided, single submitter. Criteria: ACMG Guidelines, 2015. Collection method: clinical testing. Allele origin: germline. Affected: no.

Labcorp Genetics (formerly Invitae), Labcorp
Classification: Likely benign for Dilated cardiomyopathy 1G; Autosomal recessive limb-girdle muscular dystrophy type 2J. Last evaluated: 2026-01-29. Review status: criteria provided, single submitter. Criteria: Invitae Variant Classification Sherloc (09022015). Collection method: clinical testing. Allele origin: germline.

Mayo Clinic Laboratories, Mayo Clinic
Classification: Likely benign. Last evaluated: 2025-09-16. Review status: criteria provided, single submitter. Criteria: ACMG Guidelines, 2015. Collection method: clinical testing. Allele origin: germline. Observed: 3 variant alleles.
Comment: BP4, BP7

Blueprint Genetics
Classification: Likely benign. Last evaluated: 2024-09-18. Review status: criteria provided, single submitter. Criteria: ACMG Guidelines, 2015. Collection method: clinical testing. Allele origin: germline.

GeneDx
Classification: Likely benign. Last evaluated: 2018-04-10. Review status: criteria provided, single submitter. Criteria: GeneDx Variant Classification (06012015). Collection method: clinical testing. Allele origin: germline. Affected: yes.
Comment: This variant is considered likely benign or benign based on one or more of the following criteria: it is a conservative change, it occurs at a poorly conserved position in the protein, it is predicted to be benign by multiple in silico algorithms, and/or has population frequency not consistent with disease.

NC_000002.12:g.178688102A>G

Gene: TTN (titin; minus strand). Cytogenetic location: 2q31.2.
Variant type: single nucleotide variant.
Molecular consequence: intron variant (on NM_001267550.2).
Genome position: GRCh38 VCF-style: chr2-178688102-A-G. GRCh37 (hg19) VCF-style: chr2-179552829-A-G.
Other names: p.?; c.13283-45785T>C (NM_003319.4); c.13859-45785T>C (NM_133437.4); c.13658-45785T>C (NM_133432.3); c.28579+9T>C (NM_133378.4); c.31360+9T>C (NM_001256850.1); c.32311+9T>C (NM_001267550.2).
Identifiers: ClinVar variation 467014 (VCV000467014.15), dbSNP rs573677447, ClinGen allele CA1998672.